The following is an entry in ClinVar:

ClinVar aggregate classification (germline): Uncertain significance. Review status: criteria provided, multiple submitters, no conflicts (2 of 4 stars). 3 submissions from 3 submitters: Uncertain significance (3). Last evaluated 2024-02-28.

Conditions:
5-Oxoprolinase deficiency (OPLAHD). Also called: 5-OXOPROLINURIA DUE TO 5-OXOPROLINASE DEFICIENCY. Identifiers: Orphanet 33572, MedGen C0268525, MONDO:0009825, OMIM 260005, HP:0040142.

Allele frequency attached by ClinVar (database versions not stated): ExAC 0.00003; gnomAD exomes 0.00005; ESP Exome Variant Server 0.00008; TOPMed 0.00008; gnomAD 0.00009 and 0.00010.
gnomAD v4.1: 58 of 1,611,310 alleles (0.0036%); highest among the groups gnomAD compares: Middle Eastern, 0.13%; 2 homozygotes.

Submissions (3):

Ambry Genetics
Classification: Uncertain significance. Last evaluated: 2024-02-28. Review status: criteria provided, single submitter. Criteria: Ambry Variant Classification Scheme 2023. Collection method: clinical testing. Allele origin: germline.

Fulgent Genetics
Classification: Uncertain significance for 5-Oxoprolinase deficiency. Last evaluated: 2021-09-10. Review status: criteria provided, single submitter. Criteria: ACMG Guidelines, 2015. Collection method: clinical testing. Allele origin: unknown.

Labcorp Genetics (formerly Invitae), Labcorp
Classification: Uncertain significance for 5-Oxoprolinase deficiency. Last evaluated: 2021-07-01. Review status: criteria provided, single submitter. Criteria: Invitae Variant Classification Sherloc (09022015). Collection method: clinical testing. Allele origin: germline.
Comment: In summary, the available evidence is currently insufficient to determine the role of this variant in disease. Therefore, it has been classified as a Variant of Uncertain Significance. Algorithms developed to predict the effect of missense changes on protein structure and function are either unavailable or do not agree on the potential impact of this missense change (SIFT: "Not Available"; PolyPhen-2: "Probably Damaging"; Align-GVGD: "Not Available"). This variant has not been reported in the literature in individuals affected with OPLAH-related conditions. This variant is present in population databases (rs370157218, ExAC 0.007%). This sequence change replaces threonine with methionine at codon 585 of the OPLAH protein (p.Thr585Met). The threonine residue is highly conserved and there is a moderate physicochemical difference between threonine and methionine.

NM_017570.5(OPLAH):c.1754C>T (p.Thr585Met)

Gene: OPLAH (5-oxoprolinase, ATP-hydrolysing; minus strand). Cytogenetic location: 8q24.3.
Variant type: single nucleotide variant.
Coding change: c.1754C>T on transcript NM_017570.5 (MANE Select); coding-DNA position 1754, C replaced by T.
Protein change: p.Thr585Met; replaces threonine 585 with methionine.
Molecular consequence: missense variant.
Genome position (GRCh38, 1-based): chr8:144,056,708, G>A on the plus strand (C>T on the coding strand, the complement: OPLAH is on the minus strand). VCF-style: chr8-144056708-G-A. GRCh37 (hg19) VCF-style: chr8-145111611-G-A.
Other names: c.1754C>T (NM_017570.3); short protein forms T585M.
Identifiers: ClinVar variation 1440442 (VCV001440442.9), dbSNP rs370157218, ClinGen allele CA4931735.